The following is an entry in ClinVar:

ClinVar aggregate classification (germline): Uncertain significance (1 of 4 stars; one submission).

Conditions:
Pulmonary hypoplasia. Identifiers: MedGen C0265783, MONDO:0800133, HP:0002089.

gnomAD v4.1: 10 of 1,357,736 alleles (0.00074%); highest among the groups gnomAD compares: South Asian, 0.012%; no homozygotes.

Submission:

Broad Center for Mendelian Genomics, Broad Institute of MIT and Harvard
Classification: Uncertain significance for Pulmonary hypoplasia. Last evaluated: 2025-06-27. Review status: criteria provided, single submitter. Criteria: ACMG Guidelines, 2015. Collection method: curation. Allele origin: germline. Inheritance: Autosomal recessive inheritance. Study: GREGoR Consortium.
Comment: While this gene is still lacking sufficient evidence to establish a gene-disease relationship, we believe this is a possible novel gene candidate for arthrogryposis and pulmonary hypoplasia. Given the limited information about this gene-disease relationship, the significance of the c.334+243G>A variant is uncertain. If you have any additional information about functional evidence or other individuals with this phenotype that also have variants in CDK5RAP3 we encourage you to reach out to us.

NM_176096.3(CDK5RAP3):c.334+243G>A

Gene: CDK5RAP3 (CDK5 regulatory subunit associated protein 3; plus strand). Cytogenetic location: 17q21.32.
Variant type: single nucleotide variant.
Coding change: c.334+243G>A on transcript NM_176096.3 (MANE Select); 243 bases into the intron after coding-DNA position 334, G replaced by A.
Molecular consequence: intron variant. On other transcripts: 5 prime UTR variant (3).
Genome position (GRCh38, 1-based): chr17:47,974,691, G>A. VCF-style: chr17-47974691-G-A. GRCh37 (hg19) VCF-style: chr17-46052057-G-A.
Other names: NM_001278217.2:c.-395G>A; c.-1024G>A (NM_001278198.2, NM_001278216.2); c.-395G>A (NM_001278217.2); c.409+243G>A (NM_001278197.2).
Identifiers: ClinVar variation 4070917 (VCV004070917.1).